The following is an entry in ClinVar:

NM_025114.4(CEP290):c.3812G>A (p.Arg1271Gln)

Gene: CEP290 (centrosomal protein 290; minus strand). Cytogenetic location: 12q21.32.
Variant type: single nucleotide variant.
Coding change: c.3812G>A on transcript NM_025114.4 (MANE Select); coding-DNA position 3812, G replaced by A.
Protein change: p.Arg1271Gln; replaces arginine 1271 with glutamine.
Molecular consequence: missense variant.
Genome position (GRCh38, 1-based): chr12:88,089,249, C>T on the plus strand (G>A on the coding strand, the complement: CEP290 is on the minus strand). VCF-style: chr12-88089249-C-T. GRCh37 (hg19) VCF-style: chr12-88483026-C-T.
Other names: short protein forms R1271Q.
Identifiers: ClinVar variation 3266145 (VCV003266145.4).

ClinVar aggregate classification (germline): Uncertain significance. Review status: criteria provided, multiple submitters, no conflicts (2 of 4 stars). 3 submissions from 3 submitters: Uncertain significance (2). 1 of the submissions does not count toward it. Last evaluated 2025-09-01.

Conditions:
CEP290-related disorder. Also called: CEP290-related condition; CEP290-related disorders. Identifiers: MedGen CN239314.
Inborn genetic diseases. Identifiers: MedGen C0950123, MeSH D030342.

gnomAD v4.1: 32 of 1,613,890 alleles (0.002%); highest among the groups gnomAD compares: Admixed American, 0.012%; no homozygotes.

Submissions (3):

Dasa
Classification: Uncertain significance. Last evaluated: 2025-09-01. Review status: criteria provided, single submitter. Criteria: DASA Assertion Criteria. Collection method: clinical testing. Allele origin: germline.
Comment: NM_025114.4(CEP290):c.3812G>A (p.Arg1271Gln) is a missense variant that results in the substitution of arginine with glutamine. This variant is rare in population databases. The currently available literature and clinical evidence are not sufficient to establish a definitive association between this variant and the reported condition. Therefore, this variant is classified as a variant of uncertain significance.

Ambry Genetics
Classification: Uncertain significance for Inborn genetic diseases. Last evaluated: 2024-04-08. Review status: criteria provided, single submitter. Criteria: Ambry Variant Classification Scheme 2023. Collection method: clinical testing. Allele origin: germline.

PreventionGenetics, part of Exact Sciences
Classification: Uncertain significance for CEP290-related condition. Last evaluated: 2024-03-12. Review status: no assertion criteria provided. Collection method: clinical testing. Allele origin: germline. Not counted in ClinVar's aggregate classification.
Comment: The CEP290 c.3812G>A variant is predicted to result in the amino acid substitution p.Arg1271Gln. To our knowledge, this variant has not been reported in the literature. This variant is reported in 0.016% of alleles in individuals of South Asian descent in gnomAD. At this time, the clinical significance of this variant is uncertain due to the absence of conclusive functional and genetic evidence.